The following is an entry in ClinVar:

ClinVar aggregate classification (germline): Pathogenic (1 of 4 stars; one submission).

Conditions:
Glycogen storage disease IXb (GSD9B). Also called: PHOSPHORYLASE KINASE DEFICIENCY OF LIVER AND MUSCLE, AUTOSOMAL RECESSIVE; GLYCOGENOSIS OF LIVER AND MUSCLE, AUTOSOMAL RECESSIVE; GSD IXb. Identifiers: Orphanet 79240, MedGen C0543514, MONDO:0009868, OMIM 261750.

Submission:

Labcorp Genetics (formerly Invitae), Labcorp
Classification: Pathogenic for Glycogen storage disease IXb. Last evaluated: 2020-08-05. Review status: criteria provided, single submitter. Criteria: Invitae Variant Classification Sherloc (09022015). Collection method: clinical testing. Allele origin: germline.
Comment: This variant is an out-of-frame deletion of the genomic region encompassing exon(s) 5-7 of the PHKB gene. This is expected to create a premature translational stop signal and result in an absent or disrupted protein product. This variant has not been reported in the literature in individuals with PHKB-related conditions. Loss-of-function variants in PHKB are known to be pathogenic (PMID: 9215682, 9326319). For these reasons, this variant has been classified as Pathogenic.

Literature cited by the submitters: PubMed 9215682; PubMed 9326319.

NC_000016.9:g.(?_47545556)_(47581479_?)del

Gene: PHKB (phosphorylase kinase regulatory subunit beta; plus strand). Cytogenetic location: 16q12.1.
Variant type: Deletion.
Identifiers: ClinVar variation 1070610 (VCV001070610.5).